The following is an entry in ClinVar:

NM_007327.4(GRIN1):c.44G>C (p.Cys15Ser)

Gene: GRIN1 (glutamate ionotropic receptor NMDA type subunit 1; plus strand). Cytogenetic location: 9q34.3.
Variant type: single nucleotide variant.
Coding change: c.44G>C on transcript NM_007327.4 (MANE Select); coding-DNA position 44, G replaced by C.
Protein change: p.Cys15Ser; replaces cysteine 15 with serine.
Molecular consequence: missense variant.
Genome position (GRCh38, 1-based): chr9:137,139,530, G>C. VCF-style: chr9-137139530-G-C. GRCh37 (hg19) VCF-style: chr9-140033982-G-C.
Other names: c.44G>C, p.Cys15Ser (NM_000832.7, NM_001185090.2, NM_001185091.2 and 1 more transcripts); short protein forms C15S.
Identifiers: ClinVar variation 3375966 (VCV003375966.1).

ClinVar aggregate classification (germline): Uncertain significance (1 of 4 stars; one submission).

Submission:

GeneDx
Classification: Uncertain significance. Last evaluated: 2024-05-02. Review status: criteria provided, single submitter. Criteria: GeneDx Variant Classification Process June 2021. Collection method: clinical testing. Allele origin: germline. Affected: yes.
Comment: Not observed at significant frequency in large population cohorts (gnomAD); In silico analysis supports that this missense variant has a deleterious effect on protein structure/function; Has not been previously published as pathogenic or benign to our knowledge